The following is an entry in ClinVar:

ClinVar aggregate classification (germline): Uncertain significance (1 of 4 stars; one submission).

Allele frequency attached by ClinVar (database versions not stated): ExAC 0.00001; gnomAD exomes 0.00001.

Submission:

Labcorp Genetics (formerly Invitae), Labcorp
Classification: Uncertain significance. Last evaluated: 2022-08-24. Review status: criteria provided, single submitter. Criteria: Invitae Variant Classification Sherloc (09022015). Collection method: clinical testing. Allele origin: germline.
Comment: This variant has not been reported in the literature in individuals affected with NPPC-related conditions. In summary, the available evidence is currently insufficient to determine the role of this variant in disease. Therefore, it has been classified as a Variant of Uncertain Significance. Algorithms developed to predict the effect of missense changes on protein structure and function output the following: SIFT: "Not Available"; PolyPhen-2: "Benign"; Align-GVGD: "Not Available". The glutamine amino acid residue is found in multiple mammalian species, which suggests that this missense change does not adversely affect protein function. This variant is present in population databases (rs749538833, gnomAD 0.0009%). This sequence change replaces arginine, which is basic and polar, with glutamine, which is neutral and polar, at codon 68 of the NPPC protein (p.Arg68Gln).

NM_024409.4(NPPC):c.203G>A (p.Arg68Gln)

Gene: NPPC (natriuretic peptide C; minus strand). Cytogenetic location: 2q37.1.
Variant type: single nucleotide variant.
Coding change: c.203G>A on transcript NM_024409.4 (MANE Select); coding-DNA position 203, G replaced by A.
Protein change: p.Arg68Gln; replaces arginine 68 with glutamine.
Molecular consequence: missense variant.
Genome position (GRCh38, 1-based): chr2:231,925,603, C>T on the plus strand (G>A on the coding strand, the complement: NPPC is on the minus strand). VCF-style: chr2-231925603-C-T. GRCh37 (hg19) VCF-style: chr2-232790313-C-T.
Other names: short protein forms R68Q.
Identifiers: ClinVar variation 1970375 (VCV001970375.5), dbSNP rs749538833, ClinGen allele CA2163629.